The following is an entry in ClinVar:

ClinVar aggregate classification (germline): Uncertain significance (1 of 4 stars; one submission).

Allele frequency attached by ClinVar (database versions not stated): gnomAD exomes below 0.00001; TOPMed 0.00001; ExAC 0.00002.
gnomAD v4.1: 3 of 1,527,256 alleles (0.0002%); highest among the groups gnomAD compares: Admixed American, 0.005%; no homozygotes.

Submission:

Labcorp Genetics (formerly Invitae), Labcorp
Classification: Uncertain significance. Last evaluated: 2022-03-04. Review status: criteria provided, single submitter. Criteria: Invitae Variant Classification Sherloc (09022015). Collection method: clinical testing. Allele origin: germline.
Comment: This sequence change replaces cysteine, which is neutral and slightly polar, with serine, which is neutral and polar, at codon 486 of the PIK3C2A protein (p.Cys486Ser). This variant is present in population databases (rs757655412, gnomAD 0.006%). This variant has not been reported in the literature in individuals affected with PIK3C2A-related conditions. Algorithms developed to predict the effect of missense changes on protein structure and function are either unavailable or do not agree on the potential impact of this missense change (SIFT: "Not Available"; PolyPhen-2: "Benign"; Align-GVGD: "Not Available"). In summary, the available evidence is currently insufficient to determine the role of this variant in disease. Therefore, it has been classified as a Variant of Uncertain Significance.

NM_002645.4(PIK3C2A):c.1457G>C (p.Cys486Ser)

Gene: PIK3C2A (phosphatidylinositol-4-phosphate 3-kinase catalytic subunit type 2 alpha; minus strand). Cytogenetic location: 11p15.1.
Variant type: single nucleotide variant.
Coding change: c.1457G>C on transcript NM_002645.4 (MANE Select); coding-DNA position 1457, G replaced by C.
Protein change: p.Cys486Ser; replaces cysteine 486 with serine.
Molecular consequence: missense variant.
Genome position (GRCh38, 1-based): chr11:17,147,620, C>G on the plus strand (G>C on the coding strand, the complement: PIK3C2A is on the minus strand). VCF-style: chr11-17147620-C-G. GRCh37 (hg19) VCF-style: chr11-17169167-C-G.
Other names: c.1457G>C, p.Cys486Ser (NM_001321378.2, NM_001386870.1); c.317G>C, p.Cys106Ser (NM_001321380.2); short protein forms C486S, C106S.
Identifiers: ClinVar variation 1951222 (VCV001951222.2), dbSNP rs757655412, ClinGen allele CA5901350.